The following is an entry in ClinVar:

NM_000311.5(PRNP):c.78G>A (p.Pro26=)

Gene: PRNP (prion protein (Kanno blood group); plus strand). Cytogenetic location: 20p13.
Variant type: single nucleotide variant.
Coding change: c.78G>A on transcript NM_000311.5 (MANE Select); coding-DNA position 78, G replaced by A.
Protein change: p.Pro26=; no amino-acid change (proline 26 retained).
Molecular consequence: synonymous variant. On other transcripts: 5 prime UTR variant (1).
Genome position (GRCh38, 1-based): chr20:4,699,298, G>A. VCF-style: chr20-4699298-G-A. GRCh37 (hg19) VCF-style: chr20-4679944-G-A.
Other names: c.78G>A, p.Pro26= (NM_001080121.3, NM_001080122.3, NM_001080123.3 and 1 more transcripts); c.-12G>A (NM_001271561.3).
Identifiers: ClinVar variation 2571133 (VCV002571133.27), dbSNP rs756969320, ClinGen allele CA9752003.

ClinVar aggregate classification (germline): Likely benign (1 of 4 stars; one submission).

Allele frequency attached by ClinVar (database versions not stated): gnomAD 0.00001; gnomAD exomes 0.00002; TOPMed 0.00002; ExAC 0.00005.
gnomAD v4.1: 33 of 1,614,006 alleles (0.002%); highest among the groups gnomAD compares: East Asian, 0.0045%; no homozygotes.

Submission:

CeGaT Center for Human Genetics Tuebingen
Classification: Likely benign. Last evaluated: 2025-05-01. Review status: criteria provided, single submitter. Criteria: CeGaT Center For Human Genetics Tuebingen Variant Classification Criteria Version 2. Collection method: clinical testing. Allele origin: germline. Affected: yes. Observed: 2 variant alleles.
Comment: PRNP: BP4, BP7